The following is an entry in ClinVar:

ClinVar aggregate classification (germline): Uncertain significance. Review status: criteria provided, multiple submitters, no conflicts (2 of 4 stars). 2 submissions from 2 submitters: Uncertain significance (2). Last evaluated 2024-11-24.

Conditions:
Mosaic variegated aneuploidy syndrome 1 (MVA1). Also called: Warburton-Anyane-Yeboa syndrome. Identifiers: Orphanet 1052, MedGen C1850343, MONDO:0009759, OMIM 257300.
Inborn genetic diseases. Identifiers: MedGen C0950123, MeSH D030342.

Allele frequency attached by ClinVar (database versions not stated): gnomAD exomes below 0.00001; TOPMed below 0.00001.
gnomAD v4.1: 1 of 1,614,014 alleles (0.000062%); highest among the groups gnomAD compares: Non-Finnish European, 0.000085%; no homozygotes.

Submissions (2):

Ambry Genetics
Classification: Uncertain significance for Inborn genetic diseases. Last evaluated: 2024-11-24. Review status: criteria provided, single submitter. Criteria: Ambry Variant Classification Scheme 2023. Collection method: clinical testing. Allele origin: germline.
Comment: The p.E211Q variant (also known as c.631G>C), located in coding exon 6 of the BUB1B gene, results from a G to C substitution at nucleotide position 631. The glutamic acid at codon 211 is replaced by glutamine, an amino acid with highly similar properties. This amino acid position is conserved. In addition, this alteration is predicted to be tolerated by in silico analysis. Based on the available evidence, the clinical significance of this variant remains unclear.

Labcorp Genetics (formerly Invitae), Labcorp
Classification: Uncertain significance for Mosaic variegated aneuploidy syndrome 1. Last evaluated: 2019-05-31. Review status: criteria provided, single submitter. Criteria: Invitae Variant Classification Sherloc (09022015). Collection method: clinical testing. Allele origin: germline.
Comment: This sequence change replaces glutamic acid with glutamine at codon 211 of the BUB1B protein (p.Glu211Gln). The glutamic acid residue is moderately conserved and there is a small physicochemical difference between glutamic acid and glutamine. In summary, the available evidence is currently insufficient to determine the role of this variant in disease. Therefore, it has been classified as a Variant of Uncertain Significance. Algorithms developed to predict the effect of missense changes on protein structure and function are either unavailable or do not agree on the potential impact of this missense change (SIFT: "Tolerated"; PolyPhen-2: "Possibly Damaging"; Align-GVGD: "Class C0"). This variant has not been reported in the literature in individuals with BUB1B-related disease. This variant is not present in population databases (ExAC no frequency).

NM_001211.6(BUB1B):c.631G>C (p.Glu211Gln)

Gene: BUB1B (BUB1 mitotic checkpoint serine/threonine kinase B; plus strand). Cytogenetic location: 15q15.1.
Variant type: single nucleotide variant.
Coding change: c.631G>C on transcript NM_001211.6 (MANE Select); coding-DNA position 631, G replaced by C.
Protein change: p.Glu211Gln; replaces glutamic acid 211 with glutamine.
Molecular consequence: missense variant.
Genome position (GRCh38, 1-based): chr15:40,183,763, G>C. VCF-style: chr15-40183763-G-C. GRCh37 (hg19) VCF-style: chr15-40475964-G-C.
Other names: short protein forms E211Q.
Identifiers: ClinVar variation 570109 (VCV000570109.11), dbSNP rs1566819827, ClinGen allele CA391683256.